The following is an entry in ClinVar:

NM_000553.6(WRN):c.1536T>A (p.Asp512Glu)

Gene: WRN (WRN RecQ like helicase; plus strand). Cytogenetic location: 8p12.
Variant type: single nucleotide variant.
Coding change: c.1536T>A on transcript NM_000553.6 (MANE Select); coding-DNA position 1536, T replaced by A.
Protein change: p.Asp512Glu; replaces aspartic acid 512 with glutamic acid.
Molecular consequence: missense variant.
Genome position (GRCh38, 1-based): chr8:31,087,880, T>A. VCF-style: chr8-31087880-T-A. GRCh37 (hg19) VCF-style: chr8-30945396-T-A.
Other names: short protein forms D512E.
Identifiers: ClinVar variation 2159053 (VCV002159053.1), dbSNP rs2130156982, ClinGen allele CA370924683.

ClinVar aggregate classification (germline): Uncertain significance (1 of 4 stars; one submission).

Conditions:
Werner syndrome (WRN). Identifiers: Orphanet 902, MedGen C0043119, MONDO:0010196, OMIM 277700.

Submission:

Labcorp Genetics (formerly Invitae), Labcorp
Classification: Uncertain significance for Werner syndrome. Last evaluated: 2022-03-14. Review status: criteria provided, single submitter. Criteria: Invitae Variant Classification Sherloc (09022015). Collection method: clinical testing. Allele origin: germline.
Comment: This sequence change replaces aspartic acid, which is acidic and polar, with glutamic acid, which is acidic and polar, at codon 512 of the WRN protein (p.Asp512Glu). This variant is not present in population databases (gnomAD no frequency). This variant has not been reported in the literature in individuals affected with WRN-related conditions. Algorithms developed to predict the effect of missense changes on protein structure and function output the following: SIFT: "Not Available"; PolyPhen-2: "Benign"; Align-GVGD: "Not Available". The glutamic acid amino acid residue is found in multiple mammalian species, which suggests that this missense change does not adversely affect protein function. In summary, the available evidence is currently insufficient to determine the role of this variant in disease. Therefore, it has been classified as a Variant of Uncertain Significance.